The following is an entry in ClinVar:

NM_005647.4(TBL1X):c.1648T>C (p.Phe550Leu)

Gene: TBL1X (transducin beta like 1 X-linked; plus strand). Cytogenetic location: Xp22.2.
Variant type: single nucleotide variant.
Coding change: c.1648T>C on transcript NM_005647.4 (MANE Select); coding-DNA position 1648, T replaced by C.
Protein change: p.Phe550Leu; replaces phenylalanine 550 with leucine.
Molecular consequence: missense variant.
Genome position (GRCh38, 1-based): chrX:9,714,944, T>C. VCF-style: chrX-9714944-T-C. GRCh37 (hg19) VCF-style: chrX-9682984-T-C.
Other names: c.1648T>C, p.Phe550Leu (NM_001139466.1); c.1495T>C, p.Phe499Leu (NM_001139467.1, NM_001139468.1); short protein forms F499L, F550L.
Identifiers: ClinVar variation 2636524 (VCV002636524.3), dbSNP rs2518603787, ClinGen allele CA411990131.

ClinVar aggregate classification (germline): Conflicting classifications of pathogenicity. Review status: criteria provided, conflicting classifications (1 of 4 stars). 2 submissions from 2 submitters: Likely pathogenic (1); Uncertain significance (1). Last evaluated 2025-08-20.

Conditions:
Hypothyroidism, congenital, nongoitrous, 8. Identifiers: MedGen C5231395, MONDO:0026731, OMIM 301033.
TBL1X-related disorder. Also called: TBL1X-related condition.

Submissions (2):

PreventionGenetics, part of Exact Sciences
Classification: Uncertain significance for TBL1X-related condition. Last evaluated: 2025-08-20. Review status: criteria provided, single submitter. Criteria: ACMG Guidelines, 2015. Collection method: clinical testing. Allele origin: germline.
Comment: The TBL1X c.1648T>C variant is predicted to result in the amino acid substitution p.Phe550Leu. This variant has been reported as having arisen de novo in two individuals with autism or craniosynostosis (Supplemental Data 3, Zhou et al. 2022. PubMed ID: 35982159; Table S6, Timberlake et al. 2023. PubMed ID: 37086723). This variant has not been reported in a large population database (gnomAD), indicating it is rare. Although we suspect that this variant may be pathogenic, at this time, the clinical significance of this variant is uncertain due to the absence of conclusive functional and genetic evidence.

Baylor Genetics
Classification: Likely pathogenic for Hypothyroidism, congenital, nongoitrous, 8. Last evaluated: 2024-03-05. Review status: criteria provided, single submitter. Criteria: ACMG Guidelines, 2015. Collection method: clinical testing. Allele origin: unknown.